The following is an entry in ClinVar:

NC_000010.10:g.(?_104155697)_(104162153_?)dup

Genes: NFKB2 (nuclear factor kappa B subunit 2; plus strand), LOC121815964 (Sharpr-MPRA regulatory region 13585; plus strand), LOC130004598 (ATAC-STARR-seq lymphoblastoid active region 3929; plus strand), LOC130004599 (ATAC-STARR-seq lymphoblastoid silent region 2756; plus strand). Cytogenetic location: 10q24.32.
Variant type: Duplication.
Identifiers: ClinVar variation 583684 (VCV000583684.7).

ClinVar aggregate classification (germline): Uncertain significance (1 of 4 stars; one submission).

Conditions:
Immunodeficiency, common variable, 10. Also called: IMMUNODEFICIENCY, COMMON VARIABLE, WITH CENTRAL ADRENAL INSUFFICIENCY; DEFICIT IN ANTERIOR PITUITARY FUNCTION AND VARIABLE IMMUNODEFICIENCY. Identifiers: MedGen C3809991, MONDO:0014260, OMIM 615577.

Submission:

Labcorp Genetics (formerly Invitae), Labcorp
Classification: Uncertain significance for Immunodeficiency, common variable, 10. Last evaluated: 2020-03-10. Review status: criteria provided, single submitter. Criteria: Invitae Variant Classification Sherloc (09022015). Collection method: clinical testing. Allele origin: germline.
Comment: In summary, the available evidence is currently insufficient to determine the role of this variant in disease. Therefore, it has been classified as a Variant of Uncertain Significance. Experimental studies and prediction algorithms are not available or were not evaluated, and the functional significance of this variant is currently unknown. This variant has not been reported in the literature in individuals with NFKB2-related conditions. This variant results in a copy number gain of the genomic region encompassing the full coding sequence of the NFKB2 gene. The boundaries of this event are unknown as they extend beyond the assayed region for this gene and therefore may encompass additional genes. As the precise location of this event is unknown, it may be in tandem or it may be located elsewhere in the genome.